The following is an entry in ClinVar:

ClinVar aggregate classification (germline): Uncertain significance (1 of 4 stars; one submission).

Conditions:
Combined immunodeficiency due to LRBA deficiency. Also called: Common variable immunodeficiency 8, with autoimmunity. Identifiers: Orphanet 445018, MedGen C3553512, MONDO:0013863, OMIM 614700.

Submission:

Labcorp Genetics (formerly Invitae), Labcorp
Classification: Uncertain significance for Combined immunodeficiency due to LRBA deficiency. Last evaluated: 2023-10-22. Review status: criteria provided, single submitter. Criteria: Invitae Variant Classification Sherloc (09022015). Collection method: clinical testing. Allele origin: germline.
Comment: This sequence change replaces phenylalanine, which is neutral and non-polar, with leucine, which is neutral and non-polar, at codon 2284 of the LRBA protein (p.Phe2284Leu). This variant is not present in population databases (gnomAD no frequency). This variant has not been reported in the literature in individuals affected with LRBA-related conditions. Advanced modeling of protein sequence and biophysical properties (such as structural, functional, and spatial information, amino acid conservation, physicochemical variation, residue mobility, and thermodynamic stability) performed at Invitae indicates that this missense variant is not expected to disrupt LRBA protein function. In summary, the available evidence is currently insufficient to determine the role of this variant in disease. Therefore, it has been classified as a Variant of Uncertain Significance.

NM_001364905.1(LRBA):c.6817T>C (p.Phe2273Leu)

Gene: LRBA (LPS responsive beige-like anchor protein; minus strand). Cytogenetic location: 4q31.3.
Variant type: single nucleotide variant.
Coding change: c.6817T>C on transcript NM_001364905.1 (MANE Select); coding-DNA position 6817, T replaced by C.
Protein change: p.Phe2273Leu; replaces phenylalanine 2273 with leucine.
Molecular consequence: missense variant.
Genome position (GRCh38, 1-based): chr4:150,436,828, A>G on the plus strand (T>C on the coding strand, the complement: LRBA is on the minus strand). VCF-style: chr4-150436828-A-G. GRCh37 (hg19) VCF-style: chr4-151357980-A-G.
Other names: c.6817T>C, p.Phe2273Leu (NM_001199282.3, NM_001367550.1); c.6850T>C, p.Phe2284Leu (NM_006726.5); short protein forms F2273L, F2284L.
Identifiers: ClinVar variation 2814723 (VCV002814723.1), dbSNP rs2546338461, ClinGen allele CA358600492.